The following is an entry in ClinVar:

NM_001386140.1(MTTP):c.1226_1227delinsTT (p.Arg409Ile)

Gene: MTTP (microsomal triglyceride transfer protein; plus strand). Cytogenetic location: 4q23.
Variant type: Indel.
Coding change: c.1226_1227delinsTT on transcript NM_001386140.1 (MANE Select); coding-DNA positions 1226 to 1227, GA replaced by TT.
Protein change: p.Arg409Ile; replaces arginine 409 with isoleucine.
Molecular consequence: missense variant.
Genome position (GRCh38, 1-based): chr4:99,600,723-99,600,724, GA replaced by TT. VCF-style: chr4-99600723-GA-TT. GRCh37 (hg19) VCF-style: chr4-100521880-GA-TT.
Other names: c.1226_1227delinsTT, p.Arg409Ile (NM_000253.4); c.977_978delinsTT, p.Arg326Ile (NM_001300785.2); short protein forms R409I, R326I.
Identifiers: ClinVar variation 1412047 (VCV001412047.3), dbSNP rs2110224707, ClinGen allele CA2573138379.

ClinVar aggregate classification (germline): Uncertain significance (1 of 4 stars; one submission).

Submission:

Labcorp Genetics (formerly Invitae), Labcorp
Classification: Uncertain significance. Last evaluated: 2021-08-18. Review status: criteria provided, single submitter. Criteria: Invitae Variant Classification Sherloc (09022015). Collection method: clinical testing. Allele origin: germline.
Comment: This sequence change replaces arginine with isoleucine at codon 409 of the MTTP protein (p.Arg409Ile). The arginine residue is weakly conserved and there is a moderate physicochemical difference between arginine and isoleucine. The frequency data for this variant in the population databases is not available, as this variant may be reported as separate entries in the ExAC database. This variant has not been reported in the literature in individuals affected with MTTP-related conditions. Algorithms developed to predict the effect of missense changes on protein structure and function are either unavailable or do not agree on the potential impact of this missense change (SIFT: "Not Available"; PolyPhen-2: "Benign"; Align-GVGD: "Not Available"). In summary, the available evidence is currently insufficient to determine the role of this variant in disease. Therefore, it has been classified as a Variant of Uncertain Significance.